The following is an entry in ClinVar:

NM_020988.3(GNAO1):c.451G>A (p.Asp151Asn)

Gene: GNAO1 (G protein subunit alpha o1; plus strand). Cytogenetic location: 16q13.
Variant type: single nucleotide variant.
Coding change: c.451G>A on transcript NM_020988.3 (MANE Select); coding-DNA position 451, G replaced by A.
Protein change: p.Asp151Asn; replaces aspartic acid 151 with asparagine.
Molecular consequence: missense variant.
Genome position (GRCh38, 1-based): chr16:56,328,778, G>A. VCF-style: chr16-56328778-G-A. GRCh37 (hg19) VCF-style: chr16-56362690-G-A.
Other names: c.451G>A, p.Asp151Asn (NM_138736.3); short protein forms D151N.
Identifiers: ClinVar variation 803256 (VCV000803256.2), dbSNP rs1596867702, ClinGen allele CA395950551.

ClinVar aggregate classification (germline): Likely pathogenic. Review status: criteria provided, multiple submitters, no conflicts (2 of 4 stars). 2 submissions from 2 submitters: Likely pathogenic (2). Last evaluated 2021-10-02.

Conditions:
Developmental and epileptic encephalopathy, 17 (DEE17). Also called: Early infantile epileptic encephalopathy 17. Identifiers: Orphanet 1934, MedGen C3809606, MONDO:0014199, OMIM 615473.

Submissions (2):

3billion
Classification: Likely pathogenic for Developmental and epileptic encephalopathy, 17. Last evaluated: 2021-10-02. Review status: criteria provided, single submitter. Criteria: ACMG Guidelines, 2015. Collection method: clinical testing. Allele origin: unknown. Affected: yes. Observed: 1 heterozygote.
Comment: Same nucleotide change resulting in same amino acid change has been previously reported as pathogenic/likely pathogenic with supporting evidence (ClinVar VCV000803256.1, PS1_P).The missense variant is located in a mutational hot spot and/or well-established functional domain in which established pathogenic variants have been reported (PM1). It is not observed in the gnomAD v2.1.1 dataset (PM2). In silico tool predictions suggest damaging effect of the variant on gene or gene product (REVEL: 0.768, 3Cnet: 0.786, PP3). Therefore, this variant is classified as likely pathogenic according to the recommendation of ACMG/AMP guideline.

Mendelics
Classification: Likely pathogenic for Developmental and epileptic encephalopathy, 17. Last evaluated: 2019-05-28. Review status: criteria provided, single submitter. Criteria: Mendelics Assertion Criteria 2017. Collection method: clinical testing. Allele origin: unknown.